The following is an entry in ClinVar:

NM_005476.7(GNE):c.463dup (p.His155fs)

Gene: GNE (glucosamine (UDP-N-acetyl)-2-epimerase/N-acetylmannosamine kinase; minus strand). Cytogenetic location: 9p13.3.
Variant type: Duplication.
Coding change: c.463dup on transcript NM_005476.7 (MANE Select); coding-DNA position 463, one base duplicated (C; older notation c.463dupC).
Protein change: p.His155fs; shifts the reading frame from histidine 155.
Molecular consequence: frameshift variant.
Genome position (GRCh38, 1-based): chr9:36,246,184, G duplicated on the plus strand (C on the coding strand, the reverse complement: GNE is on the minus strand). VCF-style (leftmost placement, unchanged base first): chr9-36246183-T-TG. GRCh37 (hg19) VCF-style: chr9-36246180-T-TG.
Other names: c.556dup, p.His186fs (NM_001128227.3); c.463dup, p.His155fs (NM_001190383.3, NM_001374797.1); c.286dup, p.His96fs (NM_001190384.3, NM_001190388.2, NM_001374798.1); short protein forms H155fs, H186fs, H96fs.
Identifiers: ClinVar variation 3750843 (VCV003750843.2).
Genomic context (GRCh38, chr9:36,246,183, plus strand): 5'-TGGTCCTCACACATGGATATCAGGTGCTGCTCTGCACTGCGGGTGCAGCACACATGATAA[T>TG]GAGCCAGTTTTGTTATGGCATGTCTGATAGAGTCATCAATGGTCCCACTGACTTCCCCAC-3'

ClinVar aggregate classification (germline): Pathogenic (1 of 4 stars; one submission).

Conditions:
Sialuria. Also called: Sialic Acid Storage Disease; SIALURIA, FRENCH TYPE. Identifiers: Orphanet 3166, MedGen C0342853, MONDO:0010028, OMIM 269921.
GNE myopathy (NM). Also called: INCLUSION BODY MYOPATHY 2, AUTOSOMAL RECESSIVE; INCLUSION BODY MYOPATHY, HEREDITARY, AUTOSOMAL RECESSIVE; MYOPATHY, DISTAL, WITH OR WITHOUT RIMMED VACUOLES; IBM 2; Inclusion body myopathy autosomal recessive; Inclusion body myopathy quadriceps sparing. Identifiers: Orphanet 602, MedGen C1853926, MONDO:0011603, OMIM 605820.

Submission:

Labcorp Genetics (formerly Invitae), Labcorp
Classification: Pathogenic for Sialuria; GNE myopathy. Last evaluated: 2024-11-21. Review status: criteria provided, single submitter. Criteria: Invitae Variant Classification Sherloc (09022015). Collection method: clinical testing. Allele origin: germline.
Comment: This sequence change creates a premature translational stop signal (p.His186Profs*19) in the GNE gene. It is expected to result in an absent or disrupted protein product. Loss-of-function variants in GNE are known to be pathogenic (PMID: 24027297). This variant is not present in population databases (gnomAD no frequency). This variant has not been reported in the literature in individuals affected with GNE-related conditions. For these reasons, this variant has been classified as Pathogenic.

Literature cited by the submitters: PubMed 24027297.